The following is an entry in ClinVar:

NM_000059.4(BRCA2):c.6461A>T (p.Tyr2154Phe)

Gene: BRCA2 (BRCA2 DNA repair associated; plus strand). Cytogenetic location: 13q13.1.
Variant type: single nucleotide variant.
Coding change: c.6461A>T on transcript NM_000059.4 (MANE Select); coding-DNA position 6461, A replaced by T.
Protein change: p.Tyr2154Phe; replaces tyrosine 2154 with phenylalanine.
Molecular consequence: missense variant. On other transcripts: non-coding transcript variant (1), intron variant (2).
Genome position (GRCh38, 1-based): chr13:32,340,816, A>T. VCF-style: chr13-32340816-A-T. GRCh37 (hg19) VCF-style: chr13-32914953-A-T.
Other names: c.6461A>T, p.Tyr2154Phe (NM_001406719.1, NM_001406720.1); c.1910-3742A>T (NM_001406721.1); c.425-3742A>T (NM_001406722.1); short protein forms Y2154F.
Identifiers: ClinVar variation 2752718 (VCV002752718.3), dbSNP rs80358882, ClinGen allele CA387789360.

ClinVar aggregate classification (germline): Uncertain significance (1 of 4 stars; one submission).

Conditions:
Hereditary breast ovarian cancer syndrome. Also called: Hereditary breast and ovarian cancer; Hereditary breast and ovarian cancer syndrome; Breast and ovarian cancer; BRCA1- and BRCA2-Associated Hereditary Breast and Ovarian Cancer; Hereditary breast and ovarian cancer syndrome (HBOC); Hereditary breast and/or ovarian cancer syndrome. Identifiers: Orphanet 145, MedGen C0677776, MeSH D061325, MONDO:0003582. Disease mechanism: loss of function.

Submission:

Labcorp Genetics (formerly Invitae), Labcorp
Classification: Uncertain significance for Hereditary breast ovarian cancer syndrome. Last evaluated: 2023-07-16. Review status: criteria provided, single submitter. Criteria: Invitae Variant Classification Sherloc (09022015). Collection method: clinical testing. Allele origin: germline.
Comment: Advanced modeling of protein sequence and biophysical properties (such as structural, functional, and spatial information, amino acid conservation, physicochemical variation, residue mobility, and thermodynamic stability) performed at Invitae indicates that this missense variant is not expected to disrupt BRCA2 protein function. In summary, the available evidence is currently insufficient to determine the role of this variant in disease. Therefore, it has been classified as a Variant of Uncertain Significance. This variant has not been reported in the literature in individuals affected with BRCA2-related conditions. This variant is not present in population databases (gnomAD no frequency). This sequence change replaces tyrosine, which is neutral and polar, with phenylalanine, which is neutral and non-polar, at codon 2154 of the BRCA2 protein (p.Tyr2154Phe).